The following is an entry in ClinVar:

NM_000245.4(MET):c.4167A>G (p.Thr1389=)

Gene: MET (MET proto-oncogene, receptor tyrosine kinase; plus strand). Cytogenetic location: 7q31.2.
Variant type: single nucleotide variant.
Coding change: c.4167A>G on transcript NM_000245.4 (MANE Select); coding-DNA position 4167, A replaced by G.
Protein change: p.Thr1389=; no amino-acid change (threonine 1389 retained).
Molecular consequence: synonymous variant.
Genome position (GRCh38, 1-based): chr7:116,796,118, A>G. VCF-style: chr7-116796118-A-G. GRCh37 (hg19) VCF-style: chr7-116436172-A-G.
Other names: c.4221A>G, p.Thr1407= (NM_001127500.3); c.2877A>G, p.Thr959= (NM_001324402.2).
Identifiers: ClinVar variation 1568988 (VCV001568988.11), dbSNP rs2117114225, ClinGen allele CA457462771.
Genomic context (GRCh38, chr7:116,796,118, plus strand): 5'-GTCATCAGAAGATAACGCTGATGATGAGGTGGACACACGACCAGCCTCCTTCTGGGAGAC[A>G]TCATAGTGCTAGTACTATGTCAAAGCAACAGTCCACACTTTGTCCAATGGTTTTTTCACT-3'
Protein context (NP_000236.2, residues 1379-1390): VDTRPASFWE[Thr1389=]S

ClinVar aggregate classification (germline): Benign/Likely benign. Review status: criteria provided, multiple submitters, no conflicts (2 of 4 stars). 3 submissions from 3 submitters: Benign (1); Likely benign (2). Last evaluated 2025-09-16.

Conditions:
Renal cell carcinoma. Identifiers: Orphanet 217071, MedGen C0007134, MeSH D002292, MONDO:0005086, HP:0005584.
Papillary renal cell carcinoma type 1 (RCCP1). Also called: Renal adenocarcinoma; Renal cell carcinoma 1; Renal cell carcinoma, somatic; RENAL CELL CARCINOMA, PAPILLARY, 1, SOMATIC. Identifiers: Orphanet 47044, MedGen C1336839, OMIM 605074, HP:0011797.
Hereditary cancer-predisposing syndrome. Also called: Hereditary Cancer Syndrome; Hereditary neoplastic syndrome; Neoplastic Syndromes, Hereditary; Tumor predisposition. Identifiers: Orphanet 140162, MedGen C0027672, MeSH D009386, MONDO:0015356.

Allele frequency attached by ClinVar (database versions not stated): gnomAD exomes below 0.00001.

Submissions (3):

Labcorp Genetics (formerly Invitae), Labcorp
Classification: Likely benign for Renal cell carcinoma. Last evaluated: 2025-09-16. Review status: criteria provided, single submitter. Criteria: Invitae Variant Classification Sherloc (09022015). Collection method: clinical testing. Allele origin: germline.

Myriad Genetics, Inc.
Classification: Benign for Papillary renal cell carcinoma type 1. Last evaluated: 2024-11-15. Review status: criteria provided, single submitter. Criteria: Myriad Autosomal Dominant, Autosomal Recessive and X-Linked Classification Criteria (2023). Collection method: clinical testing. Allele origin: unknown.
Comment: This variant is considered benign. This variant is a silent/synonymous amino acid change and it is not expected to impact splicing.

Ambry Genetics
Classification: Likely benign for Hereditary cancer-predisposing syndrome. Last evaluated: 2021-02-22. Review status: criteria provided, single submitter. Criteria: Ambry Variant Classification Scheme 2023. Collection method: clinical testing. Allele origin: germline.